The following is an entry in ClinVar:

NM_000257.4(MYH7):c.1145A>G (p.Asp382Gly)

Gene: MYH7 (myosin heavy chain 7; minus strand). Cytogenetic location: 14q11.2.
Variant type: single nucleotide variant.
Coding change: c.1145A>G on transcript NM_000257.4 (MANE Select); coding-DNA position 1145, A replaced by G.
Protein change: p.Asp382Gly; replaces aspartic acid 382 with glycine.
Molecular consequence: missense variant.
Genome position (GRCh38, 1-based): chr14:23,429,341, T>C on the plus strand (A>G on the coding strand, the complement: MYH7 is on the minus strand). VCF-style: chr14-23429341-T-C. GRCh37 (hg19) VCF-style: chr14-23898550-T-C.
Other names: short protein forms D382G.
Identifiers: ClinVar variation 575443 (VCV000575443.8), dbSNP rs1566535491, ClinGen allele CA389051250.

ClinVar aggregate classification (germline): Pathogenic (1 of 4 stars; one submission).

Conditions:
Hypertrophic cardiomyopathy. Also called: HYPERTROPHIC MYOCARDIOPATHY. Identifiers: Orphanet 217569, MedGen C0007194, MeSH D002312, MONDO:0005045, HP:0001639.

Submission:

Labcorp Genetics (formerly Invitae), Labcorp
Classification: Pathogenic for Hypertrophic cardiomyopathy. Last evaluated: 2025-12-01. Review status: criteria provided, single submitter. Criteria: Invitae Variant Classification Sherloc (09022015). Collection method: clinical testing. Allele origin: germline.
Comment: This sequence change replaces aspartic acid, which is acidic and polar, with glycine, which is neutral and non-polar, at codon 382 of the MYH7 protein (p.Asp382Gly). This variant is not present in population databases (gnomAD no frequency). This missense change has been observed in individuals with autosomal dominant hypertrophic cardiomyopathy (internal data). ClinVar contains an entry for this variant (Variation ID: 575443). Invitae Evidence Modeling of protein sequence and biophysical properties (such as structural, functional, and spatial information, amino acid conservation, physicochemical variation, residue mobility, and thermodynamic stability) indicates that this missense variant is expected to disrupt MYH7 protein function with a positive predictive value of 95%. This variant disrupts the p.Asp382 amino acid residue in MYH7. Other variant(s) that disrupt this residue have been determined to be pathogenic (PMID: 20031618, 31213605; internal data). This suggests that this residue is clinically significant, and that variants that disrupt this residue are likely to be disease-causing. For these reasons, this variant has been classified as Pathogenic.

Literature cited by the submitters: PubMed 20031618; PubMed 31213605.